The following is an entry in ClinVar:

ClinVar aggregate classification (germline): Uncertain significance (1 of 4 stars; one submission).

Allele frequency attached by ClinVar (database versions not stated): gnomAD exomes below 0.00001.
gnomAD v4.1: 3 of 1,564,246 alleles (0.00019%); highest among the groups gnomAD compares: East Asian, 0.0023%; no homozygotes.

Submission:

GeneDx
Classification: Uncertain significance. Last evaluated: 2022-05-31. Review status: criteria provided, single submitter. Criteria: GeneDx Variant Classification Process June 2021. Collection method: clinical testing. Allele origin: germline. Affected: yes.
Comment: In silico analysis supports a deleterious effect on splicing; Has not been previously published as pathogenic or benign to our knowledge

NM_003024.3(ITSN1):c.2567+5G>A

Gene: ITSN1 (intersectin 1; plus strand). Cytogenetic location: 21q22.11.
Variant type: single nucleotide variant.
Coding change: c.2567+5G>A on transcript NM_003024.3 (MANE Select); 5 bases into the intron after coding-DNA position 2567, G replaced by A.
Molecular consequence: intron variant.
Genome position (GRCh38, 1-based): chr21:33,811,227, G>A. VCF-style: chr21-33811227-G-A. GRCh37 (hg19) VCF-style: chr21-35183531-G-A.
Other names: c.2552+5G>A (NM_001331010.2, NM_001331009.2, NM_001331011.2); c.2567+5G>A (NM_001001132.2, NM_001331008.2); c.2441+5G>A (NM_001331012.2).
Identifiers: ClinVar variation 1801884 (VCV001801884.1), dbSNP rs1318867336, ClinGen allele CA637687339.